The following is an entry in ClinVar:

NM_001290060.2(SEMA3B):c.2168C>G (p.Ser723Trp)

Gene: SEMA3B (semaphorin 3B; plus strand). Cytogenetic location: 3p21.31.
Variant type: single nucleotide variant.
Coding change: c.2168C>G on transcript NM_001290060.2 (MANE Select); coding-DNA position 2168, C replaced by G.
Protein change: p.Ser723Trp; replaces serine 723 with tryptophan.
Molecular consequence: missense variant. On other transcripts: non-coding transcript variant (1).
Genome position (GRCh38, 1-based): chr3:50,276,624, C>G. VCF-style: chr3-50276624-C-G. GRCh37 (hg19) VCF-style: chr3-50314055-C-G.
Other names: c.2165C>G, p.Ser722Trp (NM_001005914.3); c.2183C>G, p.Ser728Trp (NM_001290061.1); c.1139C>G, p.Ser380Trp (NM_001290062.2, NM_001290063.2); c.2168C>G, p.Ser723Trp (NM_004636.4); short protein forms S380W, S722W, S723W, S728W.
Identifiers: ClinVar variation 3357481 (VCV003357481.2).

ClinVar aggregate classification (germline): Uncertain significance (1 of 4 stars; one submission).

Conditions:
SEMA3B-related disorder. Also called: SEMA3B-related condition.

gnomAD v4.1: 20 of 1,592,470 alleles (0.0013%); highest among the groups gnomAD compares: Admixed American, 0.034%; no homozygotes.

Submission:

PreventionGenetics, part of Exact Sciences
Classification: Uncertain significance for SEMA3B-related condition. Last evaluated: 2026-09-22. Review status: criteria provided, single submitter. Criteria: ACMG Guidelines, 2015. Collection method: clinical testing. Allele origin: germline.
Comment: The SEMA3B c.2183C>G variant is predicted to result in the amino acid substitution p.Ser728Trp. To our knowledge, this variant has not been reported in the literature. This variant is reported in 0.063% of alleles in individuals of Latino descent in gnomAD. Although we suspect that this variant may be benign, at this time, the clinical significance of this variant is uncertain due to the absence of conclusive functional and genetic evidence.